The following is an entry in ClinVar:

ClinVar aggregate classification (germline): Likely benign (1 of 4 stars; one submission).

Allele frequency attached by ClinVar (database versions not stated): ExAC 0.00007; gnomAD exomes 0.00008; gnomAD 0.00011 and 0.00012; TOPMed 0.00014; ESP Exome Variant Server 0.00015.
gnomAD v4.1: 219 of 1,613,644 alleles (0.014%); highest among the groups gnomAD compares: Middle Eastern, 0.016%; no homozygotes.

Submission:

Athena Diagnostics
Classification: Likely benign. Last evaluated: 2025-01-22. Review status: criteria provided, single submitter. Criteria: Athena Diagnostics Criteria. Collection method: clinical testing. Allele origin: unknown.
Comment: Computational tools yielded predictions that this variant is unlikely to have an effect on normal RNA splicing. This nucleotide position exhibits low evolutionary conservation.

Literature cited by the submitters: PubMed 38408048.

NM_001146262.4(SYT14):c.1710G>A (p.Ala570=)

Gene: SYT14 (synaptotagmin 14; plus strand). Cytogenetic location: 1q32.2.
Variant type: single nucleotide variant.
Coding change: c.1710G>A on transcript NM_001146262.4 (MANE Select); coding-DNA position 1710, G replaced by A.
Protein change: p.Ala570=; no amino-acid change (alanine 570 retained).
Molecular consequence: synonymous variant. On other transcripts: non-coding transcript variant (1).
Genome position (GRCh38, 1-based): chr1:210,161,027, G>A. VCF-style: chr1-210161027-G-A. GRCh37 (hg19) VCF-style: chr1-210334372-G-A.
Other names: c.1845G>A, p.Ala615= (NM_001146261.4); c.1788G>A, p.Ala596= (NM_001146264.4); c.1539G>A, p.Ala513= (NM_001256006.3); c.2523G>A, p.Ala841= (NM_001397544.1, NM_001397545.1); c.1653G>A, p.Ala551= (NM_153262.5).
Identifiers: ClinVar variation 586693 (VCV000586693.4), dbSNP rs371789098, ClinGen allele CA1378469.
Genomic context (GRCh38, chr1:210,161,027, plus strand): 5'-ACTCAATCACTGGACTGAAATGAAAGAGTCAAAAGGACAGCAAGTATGTAGATGGCATGC[G>A]TTGCTAGAGTCATGATGAATAGAATAAGCAAGCAGTTACCATCAAAGGCAGCATATTTCC-3'
Protein context (NP_001139734.1, residues 560-574): SKGQQVCRWH[Ala570=]LLES